The following is an entry in ClinVar:

ClinVar aggregate classification (germline): Uncertain significance (1 of 4 stars; one submission).

gnomAD v4.1: 1 of 1,613,984 alleles (0.000062%); highest among the groups gnomAD compares: South Asian, 0.0011%; no homozygotes.

Submission:

Labcorp Genetics (formerly Invitae), Labcorp
Classification: Uncertain significance. Last evaluated: 2025-04-18. Review status: criteria provided, single submitter. Criteria: Invitae Variant Classification Sherloc (09022015). Collection method: clinical testing. Allele origin: germline.
Comment: This sequence change falls in intron 3 of the NR3C2 gene. It does not directly change the encoded amino acid sequence of the NR3C2 protein. This variant is present in population databases (rs758901652, gnomAD 0.003%). This variant has not been reported in the literature in individuals affected with NR3C2-related conditions. Algorithms developed to predict the effect of sequence changes on RNA splicing suggest that this variant may create or strengthen a splice site. In summary, the available evidence is currently insufficient to determine the role of this variant in disease. Therefore, it has been classified as a Variant of Uncertain Significance.

NM_000901.5(NR3C2):c.1897+15G>A

Gene: NR3C2 (nuclear receptor subfamily 3 group C member 2; minus strand). Cytogenetic location: 4q31.23.
Variant type: single nucleotide variant.
Coding change: c.1897+15G>A on transcript NM_000901.5 (MANE Select); 15 bases into the intron after coding-DNA position 1897, G replaced by A.
Molecular consequence: intron variant.
Genome position (GRCh38, 1-based): chr4:148,259,963, C>T on the plus strand (G>A on the coding strand, the complement: NR3C2 is on the minus strand). VCF-style: chr4-148259963-C-T. GRCh37 (hg19) VCF-style: chr4-149181115-C-T.
Other names: c.1897+15G>A (NM_001437655.1, NM_001437654.1, NM_001354819.1 and 3 more transcripts); c.1909+3G>A (NM_001437657.1).
Identifiers: ClinVar variation 4770348 (VCV004770348.1).